The following is an entry in ClinVar:

ClinVar aggregate classification (germline): Uncertain significance (1 of 4 stars; one submission).

Allele frequency attached by ClinVar (database versions not stated): gnomAD 0.00004; gnomAD exomes 0.00004 and 0.00007; TOPMed 0.00004; ExAC 0.00006; 1000 Genomes Project 30x 0.00031; 1000 Genomes Project 0.00040.

Submission:

GeneDx
Classification: Uncertain significance. Last evaluated: 2019-11-01. Review status: criteria provided, single submitter. Criteria: GeneDx Variant Classification Process June 2021. Collection method: clinical testing. Allele origin: germline. Affected: yes.
Comment: Not observed at a significant frequency in large population cohorts (Lek et al., 2016); In silico analysis, which includes protein predictors and evolutionary conservation, supports a deleterious effect; Has not been previously published as pathogenic or benign to our knowledge

NM_020944.3(GBA2):c.2239C>T (p.Arg747Cys)

Gene: GBA2 (glucosylceramidase beta 2; minus strand). Cytogenetic location: 9p13.3.
Variant type: single nucleotide variant.
Coding change: c.2239C>T on transcript NM_020944.3 (MANE Select); coding-DNA position 2239, C replaced by T.
Protein change: p.Arg747Cys; replaces arginine 747 with cysteine.
Molecular consequence: missense variant.
Genome position (GRCh38, 1-based): chr9:35,738,111, G>A on the plus strand (C>T on the coding strand, the complement: GBA2 is on the minus strand). VCF-style: chr9-35738111-G-A. GRCh37 (hg19) VCF-style: chr9-35738108-G-A.
Other names: c.2239C>T, p.Arg747Cys (NM_001330660.2); short protein forms R747C.
Identifiers: ClinVar variation 1309852 (VCV001309852.2), dbSNP rs202031683, ClinGen allele CA5050154.